The following is an entry in ClinVar:

NM_000018.4(ACADVL):c.988T>C (p.Phe330Leu)

Gene: ACADVL (acyl-CoA dehydrogenase very long chain; plus strand). Cytogenetic location: 17p13.1.
Variant type: single nucleotide variant.
Coding change: c.988T>C on transcript NM_000018.4 (MANE Select); coding-DNA position 988, T replaced by C.
Protein change: p.Phe330Leu; replaces phenylalanine 330 with leucine.
Molecular consequence: missense variant.
Genome position (GRCh38, 1-based): chr17:7,222,776, T>C. VCF-style: chr17-7222776-T-C. GRCh37 (hg19) VCF-style: chr17-7126095-T-C.
Other names: c.922T>C, p.Phe308Leu (NM_001033859.3); c.1057T>C, p.Phe353Leu (NM_001270447.2); c.760T>C, p.Phe254Leu (NM_001270448.2); short protein forms F308L, F353L, F254L, F330L.
Identifiers: ClinVar variation 932867 (VCV000932867.4), dbSNP rs947624074, ClinGen allele CA287437637.
Genomic context (GRCh38, chr17:7,222,776, plus strand): 5'-GTGTTCTTTGATGGAGTACGGGTGCCATCGGAGAACGTGCTGGGTGAGGTTGGGAGTGGC[T>C]TCAAGGTTGCCATGCACATCCTCAACAATGGAAGGTTTGGCATGGCTGCGGCCCTGGCAG-3'
Protein context (NP_000009.1, residues 320-340): ENVLGEVGSG[Phe330Leu]KVAMHILNNG

ClinVar aggregate classification (germline): Uncertain significance. Review status: criteria provided, multiple submitters, no conflicts (2 of 4 stars). 2 submissions from 2 submitters: Uncertain significance (2). Last evaluated 2022-06-08.

Conditions:
Very long chain acyl-CoA dehydrogenase deficiency (ACADVLD). Also called: Very Long-Chain Acyl-Coenzyme A Dehydrogenase Deficiency; VLCAD Deficiency. Identifiers: Orphanet 26793, MedGen C3887523, MONDO:0008723, OMIM 201475.

Allele frequency attached by ClinVar (database versions not stated): gnomAD exomes below 0.00001.
gnomAD v4.1: 1 of 1,614,054 alleles (0.000062%); highest among the groups gnomAD compares: Non-Finnish European, 0.000085%; no homozygotes.

Submissions (2):

Labcorp Genetics (formerly Invitae), Labcorp
Classification: Uncertain significance for Very long chain acyl-CoA dehydrogenase deficiency. Last evaluated: 2022-06-08. Review status: criteria provided, single submitter. Criteria: Invitae Variant Classification Sherloc (09022015). Collection method: clinical testing. Allele origin: germline.
Comment: This sequence change replaces phenylalanine, which is neutral and non-polar, with leucine, which is neutral and non-polar, at codon 330 of the ACADVL protein (p.Phe330Leu). This variant is not present in population databases (gnomAD no frequency). This variant has not been reported in the literature in individuals affected with ACADVL-related conditions. ClinVar contains an entry for this variant (Variation ID: 932867). Algorithms developed to predict the effect of missense changes on protein structure and function are either unavailable or do not agree on the potential impact of this missense change (SIFT: "Deleterious"; PolyPhen-2: "Probably Damaging"; Align-GVGD: "Class C15"). In summary, the available evidence is currently insufficient to determine the role of this variant in disease. Therefore, it has been classified as a Variant of Uncertain Significance.

Wong Mito Lab, Molecular and Human Genetics, Baylor College of Medicine
Classification: Uncertain significance for Very long chain acyl-CoA dehydrogenase deficiency. Last evaluated: 2019-11-01. Review status: criteria provided, single submitter. Criteria: ACMG Guidelines, 2015. Collection method: clinical testing. Allele origin: germline.
Comment: The NM_000018.3:c.988T>C (NP_000009.1:p.Phe330Leu) [GRCH38: NC_000017.11:g.7222776T>C] variant in ACADVL gene is interpretated to be Uncertain Significance based on ACMG guidelines (PMID: 25741868). This variant has been reported.This variant dose not meet any evidence codes reported in the ACMG guidelines.